The following is an entry in ClinVar:

ClinVar aggregate classification (germline): Likely benign (0 of 4 stars; one submission).

Conditions:
DLK1-related disorder. Also called: DLK1-related condition.

Allele frequency attached by ClinVar (database versions not stated): ExAC 0.00001; gnomAD 0.00005; TOPMed 0.00005; gnomAD exomes 0.00009.
gnomAD v4.1: 140 of 1,614,000 alleles (0.0087%); highest among the groups gnomAD compares: Non-Finnish European, 0.011%; no homozygotes.

Submission:

PreventionGenetics, part of Exact Sciences
Classification: Likely benign for DLK1-related condition. Last evaluated: 2019-04-16. Review status: no assertion criteria provided. Collection method: clinical testing. Allele origin: germline.
Comment: This variant is classified as likely benign based on ACMG/AMP sequence variant interpretation guidelines (Richards et al. 2015 PMID: 25741868, with internal and published modifications).

NM_003836.7(DLK1):c.171C>T (p.Cys57=)

Gene: DLK1 (delta like non-canonical Notch ligand 1; plus strand). Cytogenetic location: 14q32.2.
Variant type: single nucleotide variant.
Coding change: c.171C>T on transcript NM_003836.7 (MANE Select); coding-DNA position 171, C replaced by T.
Protein change: p.Cys57=; no amino-acid change (cysteine 57 retained).
Molecular consequence: synonymous variant.
Genome position (GRCh38, 1-based): chr14:100,728,975, C>T. VCF-style: chr14-100728975-C-T. GRCh37 (hg19) VCF-style: chr14-101195312-C-T.
Other names: c.171C>T, p.Cys57= (NM_001317172.2).
Identifiers: ClinVar variation 3058541 (VCV003058541.2), dbSNP rs751360185, ClinGen allele CA7346507.